The following is an entry in ClinVar:

NM_000271.5(NPC1):c.3359_3360insAC (p.Leu1121fs)

Gene: NPC1 (NPC intracellular cholesterol transporter 1; minus strand). Cytogenetic location: 18q11.2.
Variant type: Insertion.
Coding change: c.3359_3360insAC on transcript NM_000271.5 (MANE Select); coding-DNA positions 3359 to 3360, AC inserted.
Protein change: p.Leu1121fs; shifts the reading frame from leucine 1121.
Molecular consequence: frameshift variant.
Genome position: GRCh38 VCF-style: chr18-23535586-C-CGT. GRCh37 (hg19) VCF-style: chr18-21115550-C-CGT.
Other names: short protein forms L1121fs.
Identifiers: ClinVar variation 1726855 (VCV001726855.2), dbSNP rs2511190372, ClinGen allele CA2580095542.

ClinVar aggregate classification (germline): Likely pathogenic (1 of 4 stars; one submission).

Conditions:
Niemann-Pick disease, type C1. Also called: NEUROVISCERAL STORAGE DISEASE WITH VERTICAL SUPRANUCLEAR OPHTHALMOPLEGIA; NIEMANN-PICK DISEASE WITH CHOLESTEROL ESTERIFICATION BLOCK; NIEMANN-PICK DISEASE WITHOUT SPHINGOMYELINASE DEFICIENCY; NIEMANN-PICK DISEASE, CHRONIC NEURONOPATHIC FORM; NIEMANN-PICK DISEASE, VARIANT TYPE C1. Identifiers: Orphanet 646, MedGen C3179455, MONDO:0009757, OMIM 257220.

Submission:

Myriad Genetics, Inc.
Classification: Likely pathogenic for Niemann-Pick disease, type C1. Last evaluated: 2022-01-02. Review status: criteria provided, single submitter. Criteria: Myriad Women's Health Autosomal Recessive and X-Linked Classification Criteria (2021). Collection method: clinical testing. Allele origin: unknown.
Comment: NM_000271.4(NPC1):c.3359_3360insAC(L1121Rfs*30) is expected to be pathogenic in the context of Niemann-Pick disease type C1. This variant is predicted to lead to an abnormal or absent protein product due to the creation of a premature termination codon in NPC1, a gene where loss-of-function variants are known to be pathogenic. Please note: this variant was assessed in the context of healthy population screening.